The following is an entry in ClinVar:

ClinVar aggregate classification (germline): Uncertain significance (1 of 4 stars; one submission).

Allele frequency attached by ClinVar (database versions not stated): gnomAD exomes 0.00001.
gnomAD v4.1: 7 of 1,613,844 alleles (0.00043%); highest among the groups gnomAD compares: Non-Finnish European, 0.00059%; no homozygotes.

Submission:

Labcorp Genetics (formerly Invitae), Labcorp
Classification: Uncertain significance. Last evaluated: 2022-08-27. Review status: criteria provided, single submitter. Criteria: Invitae Variant Classification Sherloc (09022015). Collection method: clinical testing. Allele origin: germline.
Comment: This sequence change replaces serine, which is neutral and polar, with threonine, which is neutral and polar, at codon 9 of the GABRB1 protein (p.Ser9Thr). This variant is present in population databases (no rsID available, gnomAD 0.003%). This variant has not been reported in the literature in individuals affected with GABRB1-related conditions. Algorithms developed to predict the effect of missense changes on protein structure and function (SIFT, PolyPhen-2, Align-GVGD) all suggest that this variant is likely to be tolerated. In summary, the available evidence is currently insufficient to determine the role of this variant in disease. Therefore, it has been classified as a Variant of Uncertain Significance.

NM_000812.4(GABRB1):c.26G>C (p.Ser9Thr)

Gene: GABRB1 (gamma-aminobutyric acid type A receptor subunit beta1; plus strand). Cytogenetic location: 4p12.
Variant type: single nucleotide variant.
Coding change: c.26G>C on transcript NM_000812.4 (MANE Select); coding-DNA position 26, G replaced by C.
Protein change: p.Ser9Thr; replaces serine 9 with threonine.
Molecular consequence: missense variant.
Genome position (GRCh38, 1-based): chr4:47,031,677, G>C. VCF-style: chr4-47031677-G-C. GRCh37 (hg19) VCF-style: chr4-47033694-G-C.
Other names: short protein forms S9T.
Identifiers: ClinVar variation 1934546 (VCV001934546.5), dbSNP rs764743206, ClinGen allele CA356805169.